The following is an entry in ClinVar:

NM_000379.4(XDH):c.762C>A (p.Asp254Glu)

Gene: XDH (xanthine dehydrogenase; minus strand). Cytogenetic location: 2p23.1.
Variant type: single nucleotide variant.
Coding change: c.762C>A on transcript NM_000379.4 (MANE Select); coding-DNA position 762, C replaced by A.
Protein change: p.Asp254Glu; replaces aspartic acid 254 with glutamic acid.
Molecular consequence: missense variant.
Genome position (GRCh38, 1-based): chr2:31,386,445, G>T on the plus strand (C>A on the coding strand, the complement: XDH is on the minus strand). VCF-style: chr2-31386445-G-T. GRCh37 (hg19) VCF-style: chr2-31609311-G-T.
Other names: short protein forms D254E.
Identifiers: ClinVar variation 757292 (VCV000757292.10), dbSNP rs140858800, ClinGen allele CA1599500.

ClinVar aggregate classification (germline): Likely benign. Review status: criteria provided, multiple submitters, no conflicts (2 of 4 stars). 2 submissions from 2 submitters: Likely benign (2). Last evaluated 2026-04-03.

Conditions:
Xanthinuria type II. Also called: Xanthine dehydrogenase and aldehyde oxidase combined deficiency of; XDH and AOX dual deficiency. Identifiers: Orphanet 3467, Orphanet 93602, MedGen C1863688, MONDO:0011346, OMIM 603592.
XDH-related disorder. Also called: XDH-related condition.

Allele frequency attached by ClinVar (database versions not stated): TOPMed 0.00018.
gnomAD v4.1: 112 of 1,613,748 alleles (0.0069%); highest among the groups gnomAD compares: East Asian, 0.13%; no homozygotes.

Submissions (2):

PreventionGenetics, part of Exact Sciences
Classification: Likely benign for XDH-related condition. Last evaluated: 2026-04-03. Review status: criteria provided, single submitter. Criteria: ACMG Guidelines, 2015. Collection method: clinical testing. Allele origin: germline.
Comment: This variant is classified as likely benign based on ACMG/AMP sequence variant interpretation guidelines (Richards et al. 2015 PMID: 25741868, with internal and published modifications).

Labcorp Genetics (formerly Invitae), Labcorp
Classification: Likely benign for Xanthinuria type II. Last evaluated: 2024-03-24. Review status: criteria provided, single submitter. Criteria: Invitae Variant Classification Sherloc (09022015). Collection method: clinical testing. Allele origin: germline.